The following is an entry in ClinVar:

ClinVar aggregate classification (germline): Pathogenic (1 of 4 stars; one submission).

Submission:

GeneDx
Classification: Pathogenic. Last evaluated: 2017-10-30. Review status: criteria provided, single submitter. Criteria: GeneDx Variant Classification (06012015). Collection method: clinical testing. Allele origin: germline. Affected: yes.
Comment: The c.1707delT pathogenic variant in the ATP2C1 gene causes a frameshift starting with codon Threonine 570, changes this amino acid to a Leucine residue and creates a premature Stop codon at position 30 of the new reading frame, denoted p.Thr570LeufsX30. This pathogenic variant is predicted to cause loss of normal protein function either through protein truncation or nonsense-mediated mRNA decay. The variant is not observed in large population cohorts (Lek et al., 2016).

NM_001378687.1(ATP2C1):c.1707del (p.Thr570fs)

Gene: ATP2C1 (ATPase secretory pathway Ca2+ transporting 1; plus strand). Cytogenetic location: 3q22.1.
Variant type: Deletion.
Coding change: c.1707del on transcript NM_001378687.1 (MANE Select); coding-DNA position 1707, one base deleted (T; older notation c.1707delT).
Protein change: p.Thr570fs; shifts the reading frame from threonine 570.
Molecular consequence: frameshift variant.
Genome position (GRCh38, 1-based): chr3:130,979,385, T deleted; the last of 2 consecutive T bases (chr3:130,979,384-130,979,385); deleting either gives the same sequence. VCF-style (leftmost placement, unchanged base first): chr3-130979383-AT-A. GRCh37 (hg19) VCF-style: chr3-130698227-AT-A.
Other names: c.1707del, p.Thr570fs (NM_001001485.3, NM_001001486.2, NM_001001487.2 and 5 more transcripts); c.1809del, p.Thr604fs (NM_001199180.2, NM_001199181.3, NM_001378511.1); c.1692del, p.Thr565fs (NM_001199182.2); c.1659del, p.Thr554fs (NM_001199183.2, NM_001199184.3, NM_001378514.1); short protein forms T570fs, T604fs, T565fs, T554fs.
Identifiers: ClinVar variation 453081 (VCV000453081.2), dbSNP rs1553775581, ClinGen allele CA658657339.